The following is an entry in ClinVar:

NM_001039348.3(EFEMP1):c.-52A>G

Gene: EFEMP1 (EGF-like fibulin extracellular matrix protein 1; minus strand). Cytogenetic location: 2p16.1.
Variant type: single nucleotide variant.
Coding change: c.-52A>G on transcript NM_001039348.3 (MANE Select); 52 bases upstream of the start codon, A replaced by G.
Molecular consequence: 5 prime UTR variant.
Genome position (GRCh38, 1-based): chr2:55,923,714, T>C on the plus strand (A>G on the coding strand, the complement: EFEMP1 is on the minus strand). VCF-style: chr2-55923714-T-C. GRCh37 (hg19) VCF-style: chr2-56150849-T-C.
Other names: c.-11A>G (NM_001039349.3).
Identifiers: ClinVar variation 336634 (VCV000336634.6), dbSNP rs10167115, ClinGen allele CA10615884.
Genomic context (GRCh38, chr2:55,923,714, plus strand): 5'-GCGCGGCCCAGTGAGTACTGGGCTCGCTCGGGGCGACCCCCCGTTGGGGGCTCCTACCTG[T>C]GCGGCCGCGCTGCGCTCCGGGCCCGGGCAGCGAGGGGAGTGCGCAGGGGAGGGCAGCCCC-3'

ClinVar aggregate classification (germline): Benign. Review status: criteria provided, multiple submitters, no conflicts (2 of 4 stars). 2 submissions from 2 submitters: Benign (2). Last evaluated 2018-01-12.

Conditions:
Doyne honeycomb retinal dystrophy (DHRD). Also called: DOYNE HONEYCOMB DEGENERATION OF RETINA; MALATTIA LEVENTINESE; DRUSEN, RADIAL, AUTOSOMAL DOMINANT. Identifiers: Orphanet 75376, MedGen C1832174, MONDO:0007471, OMIM 126600.

Allele frequency attached by ClinVar (database versions not stated): gnomAD exomes 0.02923; gnomAD 0.06524 and 0.06667; 1000 Genomes Project 0.06849; TOPMed 0.06911; 1000 Genomes Project 30x 0.07011.
gnomAD v4.1: 34,674 of 985,644 alleles (3.5%); highest among the groups gnomAD compares: African/African-American, 16%; 1,136 homozygotes.

Submissions (2):

Illumina Laboratory Services, Illumina
Classification: Benign for Doyne honeycomb retinal dystrophy. Last evaluated: 2018-01-12. Review status: criteria provided, single submitter. Criteria: ICSL Variant Classification Criteria 13 December 2019. Collection method: clinical testing. Allele origin: germline.
Comment: This variant was observed in the ICSL laboratory as part of a predisposition screen in an ostensibly healthy population. It had not been previously curated by ICSL or reported in the Human Gene Mutation Database (HGMD: prior to June 1st, 2018), and was therefore a candidate for classification through an automated scoring system. Utilizing variant allele frequency, disease prevalence and penetrance estimates, and inheritance mode, an automated score was calculated to assess if this variant is too frequent to cause the disease. Based on the score and internal cut-off values, a variant classified as benign is not then subjected to further curation. The score for this variant resulted in a classification of benign for this disease.

Breakthrough Genomics
Classification: Benign. Review status: criteria provided, single submitter. Criteria: ACMG Guidelines, 2015. Collection method: not provided. Allele origin: germline. Inheritance: Autosomal dominant inheritance. Affected: yes.